The following is an entry in ClinVar:

NM_000384.3(APOB):c.11240C>T (p.Pro3747Leu)

Gene: APOB (apolipoprotein B; minus strand). Cytogenetic location: 2p24.1.
Variant type: single nucleotide variant.
Coding change: c.11240C>T on transcript NM_000384.3 (MANE Select); coding-DNA position 11240, C replaced by T.
Protein change: p.Pro3747Leu; replaces proline 3747 with leucine.
Molecular consequence: missense variant.
Genome position (GRCh38, 1-based): chr2:21,005,628, G>A on the plus strand (C>T on the coding strand, the complement: APOB is on the minus strand). VCF-style: chr2-21005628-G-A. GRCh37 (hg19) VCF-style: chr2-21228500-G-A.
Other names: short protein forms P3747L.
Identifiers: ClinVar variation 4755766 (VCV004755766.1).

ClinVar aggregate classification (germline): Uncertain significance (1 of 4 stars; one submission).

gnomAD v4.1: 4 of 1,613,790 alleles (0.00025%); highest among the groups gnomAD compares: African/African-American, 0.0053%; no homozygotes.

Submission:

GeneDx
Classification: Uncertain significance. Last evaluated: 2025-08-06. Review status: criteria provided, single submitter. Criteria: GeneDx Variant Classification Process June 2021. Collection method: clinical testing. Allele origin: germline. Affected: yes.
Comment: Not observed at significant frequency in large population cohorts (gnomAD); In silico analysis supports that this missense variant has a deleterious effect on protein structure/function; Has not been previously published as pathogenic or benign to our knowledge